The following is an entry in ClinVar:

NM_001931.5(DLAT):c.343G>A (p.Glu115Lys)

Gene: DLAT (dihydrolipoamide S-acetyltransferase; plus strand). Cytogenetic location: 11q23.1.
Variant type: single nucleotide variant.
Coding change: c.343G>A on transcript NM_001931.5 (MANE Select); coding-DNA position 343, G replaced by A.
Protein change: p.Glu115Lys; replaces glutamic acid 115 with lysine.
Molecular consequence: missense variant. On other transcripts: 5 prime UTR variant (1), non-coding transcript variant (1), intron variant (1).
Genome position (GRCh38, 1-based): chr11:112,026,261, G>A. VCF-style: chr11-112026261-G-A. GRCh37 (hg19) VCF-style: chr11-111896985-G-A.
Other names: c.343G>A, p.Glu115Lys (NM_001372031.1, NM_001372032.1, NM_001372033.1 and 5 more transcripts); c.310G>A, p.Glu104Lys (NM_001372034.1); c.175G>A, p.Glu59Lys (NM_001372037.1); c.-124G>A (NM_001372042.1); c.239-22G>A (NM_001372036.1); short protein forms E59K, E104K, E115K.
Identifiers: ClinVar variation 1041771 (VCV001041771.6), dbSNP rs200147835, ClinGen allele CA228542532.
Genomic context (GRCh38, chr11:112,026,261, plus strand): 5'-CCATTGCCTTCTCTTTCCCCCACAATGCAGGCAGGCACCATAGCCCGTTGGGAAAAAAAA[G>A]AGGGGGACAAAATCAATGAAGGTGACCTAATTGCAGAGGTAAGTTTTTTTTTTTTTTTTT-3'
Protein context (NP_001922.2, residues 105-125): AGTIARWEKK[Glu115Lys]GDKINEGDLI

ClinVar aggregate classification (germline): Uncertain significance (1 of 4 stars; one submission).

Conditions:
Pyruvate dehydrogenase E2 deficiency (PDHDD). Also called: Dihydrolipoamide Acetyltransferase (E2) Deficiency; LACTIC ACIDEMIA DUE TO DEFECT OF E2 LIPOYL TRANSACETYLASE OF THE PYRUVATE DEHYDROGENASE COMPLEX. Identifiers: Orphanet 765, Orphanet 79244, MedGen C1855565, MONDO:0009502, OMIM 245348.

Allele frequency attached by ClinVar (database versions not stated): gnomAD 0.00001 and 0.00002; gnomAD exomes 0.00001 and 0.00002; TOPMed 0.00001; 1000 Genomes Project 30x 0.00016; 1000 Genomes Project 0.00020.
gnomAD v4.1: 36 of 1,607,484 alleles (0.0022%); highest among the groups gnomAD compares: Non-Finnish European, 0.003%; no homozygotes.

Submission:

Labcorp Genetics (formerly Invitae), Labcorp
Classification: Uncertain significance for Pyruvate dehydrogenase E2 deficiency. Last evaluated: 2021-08-24. Review status: criteria provided, single submitter. Criteria: Invitae Variant Classification Sherloc (09022015). Collection method: clinical testing. Allele origin: germline.
Comment: This sequence change replaces glutamic acid with lysine at codon 115 of the DLAT protein (p.Glu115Lys). The glutamic acid residue is moderately conserved and there is a small physicochemical difference between glutamic acid and lysine. This variant is not present in population databases (ExAC no frequency). This variant has not been reported in the literature in individuals affected with DLAT-related conditions. Algorithms developed to predict the effect of missense changes on protein structure and function are either unavailable or do not agree on the potential impact of this missense change (SIFT: "Deleterious"; PolyPhen-2: "Probably Damaging"; Align-GVGD: "Class C0"). In summary, the available evidence is currently insufficient to determine the role of this variant in disease. Therefore, it has been classified as a Variant of Uncertain Significance.